The following is an entry in ClinVar:

ClinVar aggregate classification (germline): Uncertain significance (1 of 4 stars; one submission).

Allele frequency attached by ClinVar (database versions not stated): gnomAD exomes below 0.00001.
gnomAD v4.1: 1 of 1,613,896 alleles (0.000062%); highest among the groups gnomAD compares: Admixed American, 0.0017%; no homozygotes.

Submission:

Labcorp Genetics (formerly Invitae), Labcorp
Classification: Uncertain significance. Last evaluated: 2022-08-09. Review status: criteria provided, single submitter. Criteria: Invitae Variant Classification Sherloc (09022015). Collection method: clinical testing. Allele origin: germline.
Comment: This variant is present in population databases (no rsID available, gnomAD 0.003%). In summary, the available evidence is currently insufficient to determine the role of this variant in disease. Therefore, it has been classified as a Variant of Uncertain Significance. Algorithms developed to predict the effect of missense changes on protein structure and function (SIFT, PolyPhen-2, Align-GVGD) all suggest that this variant is likely to be tolerated. This variant has not been reported in the literature in individuals affected with DNAH9-related conditions. This sequence change replaces leucine, which is neutral and non-polar, with phenylalanine, which is neutral and non-polar, at codon 2329 of the DNAH9 protein (p.Leu2329Phe).

NM_001372.4(DNAH9):c.6985C>T (p.Leu2329Phe)

Gene: DNAH9 (dynein axonemal heavy chain 9; plus strand). Cytogenetic location: 17p12.
Variant type: single nucleotide variant.
Coding change: c.6985C>T on transcript NM_001372.4 (MANE Select); coding-DNA position 6985, C replaced by T.
Protein change: p.Leu2329Phe; replaces leucine 2329 with phenylalanine.
Molecular consequence: missense variant.
Genome position (GRCh38, 1-based): chr17:11,757,682, C>T. VCF-style: chr17-11757682-C-T. GRCh37 (hg19) VCF-style: chr17-11660999-C-T.
Other names: short protein forms L2329F.
Identifiers: ClinVar variation 1721225 (VCV001721225.5), dbSNP rs1191429300, ClinGen allele CA398196203.
Genomic context (GRCh38, chr17:11,757,682, plus strand): 5'-ACAGAGAGAGCCAACTTAACCATTTTGTTCGACAAGTATCTTCCAACCTGCCTAGACACA[C>T]TCAGAACCAGGTAGGCCAAGAAACAAGGAAGATAGAGAGTTAAAGCAGCAATAAAAAGCC-3'
Protein context (NP_001363.2, residues 2319-2339): DKYLPTCLDT[Leu2329Phe]RTRFKKIIPI